The following is an entry in ClinVar:

ClinVar aggregate classification (germline): Benign. Review status: criteria provided, multiple submitters, no conflicts (2 of 4 stars). 2 submissions from 2 submitters: Benign (2). Last evaluated 2018-01-12.

Conditions:
Renal hypodysplasia/aplasia 1 (RHDA1). Also called: RENAL APLASIA; HEREDITARY RENAL APLASIA. Identifiers: Orphanet 411709, MedGen C1619700, MONDO:0024519, OMIM 191830.

Allele frequency attached by ClinVar (database versions not stated): gnomAD exomes 0.00235 and 0.00611; ExAC 0.01118; gnomAD 0.02273 and 0.02422; 1000 Genomes Project 0.02316; ESP Exome Variant Server 0.02607; TOPMed 0.02610.
gnomAD v4.1: 6,996 of 1,603,372 alleles (0.44%); highest among the groups gnomAD compares: African/African-American, 8.1%; 277 homozygotes.

Submissions (2):

Illumina Laboratory Services, Illumina
Classification: Benign for Renal hypodysplasia/aplasia 1. Last evaluated: 2018-01-12. Review status: criteria provided, single submitter. Criteria: ICSL Variant Classification Criteria 13 December 2019. Collection method: clinical testing. Allele origin: germline.
Comment: This variant was observed in the ICSL laboratory as part of a predisposition screen in an ostensibly healthy population. It had not been previously curated by ICSL or reported in the Human Gene Mutation Database (HGMD: prior to June 1st, 2018), and was therefore a candidate for classification through an automated scoring system. Utilizing variant allele frequency, disease prevalence and penetrance estimates, and inheritance mode, an automated score was calculated to assess if this variant is too frequent to cause the disease. Based on the score and internal cut-off values, a variant classified as benign is not then subjected to further curation. The score for this variant resulted in a classification of benign for this disease.

Breakthrough Genomics
Classification: Benign. Review status: criteria provided, single submitter. Criteria: ACMG Guidelines, 2015. Collection method: not provided. Allele origin: germline. Inheritance: Unknown mechanism. Affected: yes.

NM_006953.4(UPK3A):c.465C>T (p.Pro155=)

Gene: UPK3A (uroplakin 3A; plus strand). Cytogenetic location: 22q13.31.
Variant type: single nucleotide variant.
Coding change: c.465C>T on transcript NM_006953.4 (MANE Select); coding-DNA position 465, C replaced by T.
Protein change: p.Pro155=; no amino-acid change (proline 155 retained).
Molecular consequence: synonymous variant. On other transcripts: intron variant (1).
Genome position (GRCh38, 1-based): chr22:45,287,428, C>T. VCF-style: chr22-45287428-C-T. GRCh37 (hg19) VCF-style: chr22-45683309-C-T.
Other names: c.208+1332C>T (NM_001167574.2).
Identifiers: ClinVar variation 341978 (VCV000341978.7), dbSNP rs62001037, ClinGen allele CA10284386.
Genomic context (GRCh38, chr22:45,287,428, plus strand): 5'-GGTGGGTGCCAACGGGACCTGCCTGTGGGATCCCAACTTCCAGGGCCTCTGTAACGCACC[C>T]CTGTCGGCAGCCACGGAGTACAGGTGGGTGTAAACAAACCACTACAGGAGAGCCGCGGCA-3'
Protein context (NP_008884.1, residues 145-165): DPNFQGLCNA[Pro155=]LSAATEYRFK